The following is an entry in ClinVar:

NM_003482.4(KMT2D):c.7877C>T (p.Pro2626Leu)

Gene: KMT2D (lysine methyltransferase 2D; minus strand). Cytogenetic location: 12q13.12.
Variant type: single nucleotide variant.
Coding change: c.7877C>T on transcript NM_003482.4 (MANE Select); coding-DNA position 7877, C replaced by T.
Protein change: p.Pro2626Leu; replaces proline 2626 with leucine.
Molecular consequence: missense variant.
Genome position (GRCh38, 1-based): chr12:49,039,893, G>A on the plus strand (C>T on the coding strand, the complement: KMT2D is on the minus strand). VCF-style: chr12-49039893-G-A. GRCh37 (hg19) VCF-style: chr12-49433676-G-A.
Other names: short protein forms P2626L.
Identifiers: ClinVar variation 2014810 (VCV002014810.4), dbSNP rs2120519051, ClinGen allele CA384746598.

ClinVar aggregate classification (germline): Uncertain significance (1 of 4 stars; one submission).

Conditions:
Kabuki syndrome. Also called: NIIKAWA-KUROKI SYNDROME; Kabuki make-up syndrome. Identifiers: Orphanet 2322, MedGen C0796004, MONDO:0016512.

Submission:

Labcorp Genetics (formerly Invitae), Labcorp
Classification: Uncertain significance for Kabuki syndrome. Last evaluated: 2022-10-17. Review status: criteria provided, single submitter. Criteria: Invitae Variant Classification Sherloc (09022015). Collection method: clinical testing. Allele origin: germline.
Comment: In summary, the available evidence is currently insufficient to determine the role of this variant in disease. Therefore, it has been classified as a Variant of Uncertain Significance. Advanced modeling of protein sequence and biophysical properties (such as structural, functional, and spatial information, amino acid conservation, physicochemical variation, residue mobility, and thermodynamic stability) performed at Invitae indicates that this missense variant is not expected to disrupt KMT2D protein function. This variant has not been reported in the literature in individuals affected with KMT2D-related conditions. This variant is not present in population databases (gnomAD no frequency). This sequence change replaces proline, which is neutral and non-polar, with leucine, which is neutral and non-polar, at codon 2626 of the KMT2D protein (p.Pro2626Leu).